The following is an entry in ClinVar:

NM_000465.4(BARD1):c.1314+1G>T

Gene: BARD1 (BRCA1 associated RING domain 1; minus strand). Cytogenetic location: 2q35.
Variant type: single nucleotide variant.
Coding change: c.1314+1G>T on transcript NM_000465.4 (MANE Select); the canonical splice donor site of the intron after coding-DNA position 1314, G replaced by T.
Molecular consequence: splice donor variant. On other transcripts: intron variant (3).
Genome position (GRCh38, 1-based): chr2:214,780,559, C>A on the plus strand (G>T on the coding strand, the complement: BARD1 is on the minus strand). VCF-style: chr2-214780559-C-A. GRCh37 (hg19) VCF-style: chr2-215645283-C-A.
Other names: c.1314+1G>T (NM_000465.2); c.159-28004G>T (NM_001282548.2); c.1257+1G>T (NM_001282543.2); c.215+16502G>T (NM_001282545.2); c.364+11738G>T (NM_001282549.2).
Identifiers: ClinVar variation 2774785 (VCV002774785.4), dbSNP rs753785671, ClinGen allele CA350453140.
Genomic context (GRCh38, chr2:214,780,559, plus strand): 5'-CAAAGAAATTGCTTTATAGTTGGCCTCATTCTGAGATGGTATTTCAGAGTAAGCATCCTA[C>A]CTTAATAGAAGCAATATGGAGCAAAGTCTCTCCTCTATGATTTCTTTTCACAGCCATATT-3'

ClinVar aggregate classification (germline): Likely pathogenic. Review status: criteria provided, multiple submitters, no conflicts (2 of 4 stars). 2 submissions from 2 submitters: Likely pathogenic (2). Last evaluated 2024-11-01.

Conditions:
Hereditary cancer-predisposing syndrome. Also called: Neoplastic Syndromes, Hereditary; Tumor predisposition; Hereditary Cancer Syndrome; Hereditary neoplastic syndrome. Identifiers: Orphanet 140162, MedGen C0027672, MeSH D009386, MONDO:0015356.

Submissions (2):

Ambry Genetics
Classification: Likely pathogenic for Hereditary cancer-predisposing syndrome. Last evaluated: 2024-11-01. Review status: criteria provided, single submitter. Criteria: Ambry Variant Classification Scheme 2023. Collection method: clinical testing. Allele origin: germline.
Comment: The c.1314+1G>T intronic variant results from a G to T substitution one nucleotide after coding exon 4 of the BARD1 gene. This variant is considered to be rare based on population cohorts in the Genome Aggregation Database (gnomAD). This nucleotide position is highly conserved in available vertebrate species. In silico splice site analysis predicts that this alteration will weaken the native splice donor site; however, direct evidence is insufficient at this time (Ambry internal data). Alterations that disrupt the canonical splice site are expected to cause aberrant splicing, resulting in an abnormal protein or a transcript that is subject to nonsense-mediated mRNA decay. As such, this alteration is classified as likely pathogenic.

Color Diagnostics, LLC DBA Color Health
Classification: Likely pathogenic for Hereditary cancer-predisposing syndrome. Last evaluated: 2023-03-06. Review status: criteria provided, single submitter. Criteria: ACMG Guidelines, 2015. Collection method: clinical testing. Allele origin: germline.
Comment: This variant causes a G to T nucleotide substitution at the canonical +1 position of intron 4 of the BARD1 gene. Splice site prediction tools predict that this variant may have a significant impact on RNA splicing. Although functional RNA studies have not been reported for this variant, it is expected to result in an absent or non-functional protein product. This variant has not been reported in individuals affected with BARD1-related disorders in the literature. This variant has not been identified in the general population by the Genome Aggregation Database (gnomAD). A different variant occurring at the same nucleotide position, c.1314+1G>A, is reported to be disease-causing (ClinVar variation ID: 479152). Loss of BARD1 function is a known mechanism of disease. Based on the available evidence, this variant is classified as Likely Pathogenic.